The following is an entry in ClinVar:

NM_015665.6(AAAS):c.1264_1273del (p.Gln422fs)

Gene: AAAS (aladin WD repeat nucleoporin; minus strand). Cytogenetic location: 12q13.13.
Variant type: Deletion.
Coding change: c.1264_1273del on transcript NM_015665.6 (MANE Select); coding-DNA positions 1264 to 1273, 10 bases deleted (CAGGATGGTA; older notation c.1264_1273delCAGGATGGTA).
Protein change: p.Gln422fs; shifts the reading frame from glutamine 422.
Molecular consequence: frameshift variant.
Genome position (GRCh38, 1-based): chr12:53,308,110-53,308,119, TACCATCCTG deleted on the plus strand (CAGGATGGTA on the coding strand, the reverse complement: AAAS is on the minus strand); deleting any 10 consecutive bases within chr12:53,308,110-53,308,123 gives the same sequence; the c. name uses the placement nearest the transcript's 3' end. VCF-style (leftmost placement, unchanged base first): chr12-53308109-TTACCATCCTG-T. GRCh37 (hg19) VCF-style: chr12-53701893-TTACCATCCTG-T.
Other names: c.1165_1174del, p.Gln389fs (NM_001173466.2); short protein forms Q389fs, Q422fs.
Identifiers: ClinVar variation 2584864 (VCV002584864.1), dbSNP rs2121082201, ClinGen allele CA2573053717.

ClinVar aggregate classification (germline): Pathogenic (1 of 4 stars; one submission).

Conditions:
Glucocorticoid deficiency with achalasia (AAAS). Also called: ALACRIMA-ACHALASIA-ADRENAL INSUFFICIENCY NEUROLOGIC DISORDER; Triple-A syndrome; AAA syndrome; Allgrove syndrome; Addisonian achalasia syndrome; Alacrima-achalasia-addisonianism. Identifiers: Orphanet 869, MedGen C0271742, MONDO:0009279, OMIM 231550.

Submission:

Neuberg Centre For Genomic Medicine, NCGM
Classification: Pathogenic for Glucocorticoid deficiency with achalasia. Review status: criteria provided, single submitter. Criteria: ACMG Guidelines, 2015. Collection method: clinical testing. Allele origin: germline. Inheritance: Autosomal recessive inheritance. Affected: yes.
Comment: The frame shift (c.1264_1273del) variant has been reported previously in homozygous state in patients affected with Achalasia-addisonianism-alacrimia syndrome (Kurnaz et. al., 2018). The p.Gln422AsnfsTer126 variant is novel (not in any individuals) in gnomAD Exomes and 1000 Genomes. This variant causes a frameshift starting with codon Glutamine 422, changes this amino acid to Asparagine residue, and creates a premature Stop codon at position 126 of the new reading frame, denoted p.Gln422AsnfsTer126. This variant is predicted to cause loss of normal protein function through protein truncation. Loss of function variants have been previously reported to be disease causing. For these reasons, this variant has been classified as Pathogenic.